The following is an entry in ClinVar:

ClinVar aggregate classification (germline): Pathogenic/Likely pathogenic. Review status: criteria provided, multiple submitters, no conflicts (2 of 4 stars). 5 submissions from 5 submitters: Pathogenic (4); Likely pathogenic (1). Last evaluated 2026-06-01.

Conditions:
Diabetes insipidus, nephrogenic, X-linked. Also called: Nephrogenic Diabetes Insipidus, Type I. Identifiers: Orphanet 223, MedGen C1563705, MONDO:0010581, OMIM 304800.
Nephrogenic syndrome of inappropriate antidiuresis (NSIAD). Identifiers: Orphanet 93606, MedGen C1845202, MONDO:0010356, OMIM 300539.

Submissions (5):

Department of Traditional Chinese Medicine, Fujian Provincial Hospital
Classification: Pathogenic for Diabetes insipidus, nephrogenic, X-linked. Last evaluated: 2026-06-01. Review status: criteria provided, single submitter. Criteria: ACMG Guidelines, 2015. Collection method: research. Allele origin: inherited. Affected: yes.
Comment: This variant has been previously reported in multiple individuals with nephrogenic diabetes insipidus and has been submitted to ClinVar/HGMD as a disease-associated variant. Functional studies of AVPR2/V2R mutants, including Y128S, have shown impaired receptor function, abnormal membrane trafficking and/or reduced AVP-induced cAMP signaling, supporting a deleterious effect on V2 receptor signaling. The affected residue Tyr128 is located in a functionally important and evolutionarily conserved region of the vasopressin V2 receptor, and missense substitutions in this region are a known mechanism of AVPR2-related nephrogenic diabetes insipidus. The variant is absent or extremely rare in population databases according to available annotation, and multiple computational predictions support a deleterious effect, including REVEL 0.638, SIFT deleterious and PROVEAN deleterious. The patient’s phenotype is highly specific for AVPR2-related X-linked nephrogenic diabetes insipidus. Based on ACMG/AMP criteria, this variant is classified as Pathogenic. Applied criteria: PS4, PS3, PM1, PM2_Supporting, PP3, and PP4.

GeneDx
Classification: Pathogenic. Last evaluated: 2024-07-14. Review status: criteria provided, single submitter. Criteria: GeneDx Variant Classification Process June 2021. Collection method: clinical testing. Allele origin: germline. Affected: yes.
Comment: Published functional studies demonstrate a significant reduction in cell surface expression and consequential reduction in cAMP activity (PMID: 38748623); Not observed at significant frequency in large population cohorts (gnomAD); In silico analysis supports that this missense variant has a deleterious effect on protein structure/function; This variant is associated with the following publications: (PMID: 10820168, 8037205, 28767678, 27397672, 30068530, 25324589, 35431445, 27601473, 7833930, 1303257, 19587238, 22144672, 25902753, 38748623)

Labcorp Genetics (formerly Invitae), Labcorp
Classification: Pathogenic. Last evaluated: 2022-12-30. Review status: criteria provided, single submitter. Criteria: Invitae Variant Classification Sherloc (09022015). Collection method: clinical testing. Allele origin: germline.
Comment: For these reasons, this variant has been classified as Pathogenic. Experimental studies are conflicting or provide insufficient evidence to determine the effect of this variant on AVPR2 function (PMID: 19587238, 22144672, 27601473). Advanced modeling of protein sequence and biophysical properties (such as structural, functional, and spatial information, amino acid conservation, physicochemical variation, residue mobility, and thermodynamic stability) performed at Invitae indicates that this missense variant is expected to disrupt AVPR2 protein function. ClinVar contains an entry for this variant (Variation ID: 585474). This missense change has been observed in individuals with nephrogenic diabetes insipidus (PMID: 1303257, 10820168, 22144672). This variant is not present in population databases (gnomAD no frequency). This sequence change replaces tyrosine, which is neutral and polar, with serine, which is neutral and polar, at codon 128 of the AVPR2 protein (p.Tyr128Ser).

Fulgent Genetics
Classification: Likely pathogenic for Nephrogenic syndrome of inappropriate antidiuresis; Diabetes insipidus, nephrogenic, X-linked. Last evaluated: 2021-09-29. Review status: criteria provided, single submitter. Criteria: ACMG Guidelines, 2015. Collection method: clinical testing. Allele origin: unknown.

Athena Diagnostics
Classification: Pathogenic. Last evaluated: 2018-08-20. Review status: criteria provided, single submitter. Criteria: Athena Diagnostics Criteria. Collection method: clinical testing. Allele origin: germline.

Literature cited by the submitters: PubMed 19587238 (cited by Labcorp Genetics (formerly Invitae), Labcorp and Athena Diagnostics); PubMed 22144672 (cited by Labcorp Genetics (formerly Invitae), Labcorp and Athena Diagnostics); PubMed 27601473 (cited by Labcorp Genetics (formerly Invitae), Labcorp); PubMed 1303257 (cited by Labcorp Genetics (formerly Invitae), Labcorp and Athena Diagnostics); PubMed 10820168 (cited by Labcorp Genetics (formerly Invitae), Labcorp and Athena Diagnostics); PubMed 7833930 (cited by Athena Diagnostics); PubMed 8037205 (cited by Athena Diagnostics); PubMed 25324589 (cited by Athena Diagnostics).

NM_000054.7(AVPR2):c.383A>C (p.Tyr128Ser)

Gene: AVPR2 (arginine vasopressin receptor 2; plus strand). Cytogenetic location: Xq28.
Variant type: single nucleotide variant.
Coding change: c.383A>C on transcript NM_000054.7 (MANE Select); coding-DNA position 383, A replaced by C.
Protein change: p.Tyr128Ser; replaces tyrosine 128 with serine.
Molecular consequence: missense variant.
Genome position (GRCh38, 1-based): chrX:153,905,889, A>C. VCF-style: chrX-153905889-A-C. GRCh37 (hg19) VCF-style: chrX-153171343-A-C.
Other names: c.383A>C, p.Tyr128Ser (NM_001146151.3); short protein forms Y128S.
Identifiers: ClinVar variation 585474 (VCV000585474.7), dbSNP rs781950164, ClinGen allele CA415105523.
Genomic context (GRCh38, chrX:153,905,889, plus strand): 5'-CAGATGCCCTGTGTCGGGCCGTGAAGTATCTGCAGATGGTGGGCATGTATGCCTCCTCCT[A>C]CATGATCCTGGCCATGACGCTGGACCGCCACCGTGCCATCTGCCGTCCCATGCTGGCGTA-3'
Protein context (NP_000045.1, residues 118-138): LQMVGMYASS[Tyr128Ser]MILAMTLDRH